The following is an entry in ClinVar:

ClinVar aggregate classification (germline): Uncertain significance (1 of 4 stars; one submission).

Allele frequency attached by ClinVar (database versions not stated): gnomAD exomes below 0.00001.
gnomAD v4.1: 1 of 1,611,184 alleles (0.000062%); highest among the groups gnomAD compares: Non-Finnish European, 0.000085%; no homozygotes.

Submission:

Labcorp Genetics (formerly Invitae), Labcorp
Classification: Uncertain significance. Last evaluated: 2021-07-26. Review status: criteria provided, single submitter. Criteria: Invitae Variant Classification Sherloc (09022015). Collection method: clinical testing. Allele origin: germline.
Comment: In summary, the available evidence is currently insufficient to determine the role of this variant in disease. Therefore, it has been classified as a Variant of Uncertain Significance. Algorithms developed to predict the effect of missense changes on protein structure and function output the following: SIFT: "Tolerated"; PolyPhen-2: "Not Available"; Align-GVGD: "Class C0". The threonine amino acid residue is found in multiple mammalian species, which suggests that this missense change does not adversely affect protein function. This variant has not been reported in the literature in individuals affected with KMT2B-related conditions. This variant is not present in population databases (ExAC no frequency). This sequence change replaces proline with threonine at codon 1921 of the KMT2B protein (p.Pro1921Thr). The proline residue is weakly conserved and there is a small physicochemical difference between proline and threonine.

NM_014727.3(KMT2B):c.5761C>A (p.Pro1921Thr)

Gene: KMT2B (lysine methyltransferase 2B; plus strand). Cytogenetic location: 19q13.12.
Variant type: single nucleotide variant.
Coding change: c.5761C>A on transcript NM_014727.3 (MANE Select); coding-DNA position 5761, C replaced by A.
Protein change: p.Pro1921Thr; replaces proline 1921 with threonine.
Molecular consequence: missense variant.
Genome position (GRCh38, 1-based): chr19:35,732,310, C>A. VCF-style: chr19-35732310-C-A. GRCh37 (hg19) VCF-style: chr19-36223211-C-A.
Other names: short protein forms P1921T.
Identifiers: ClinVar variation 1450109 (VCV001450109.8), dbSNP rs1969734999, ClinGen allele CA405423719.